The following is an entry in ClinVar:

ClinVar aggregate classification (germline): Uncertain significance (1 of 4 stars; one submission).

gnomAD v4.1: 1 of 1,613,204 alleles (0.000062%); highest among the groups gnomAD compares: Non-Finnish European, 0.000085%; no homozygotes.

Submission:

Labcorp Genetics (formerly Invitae), Labcorp
Classification: Uncertain significance. Last evaluated: 2024-10-30. Review status: criteria provided, single submitter. Criteria: Invitae Variant Classification Sherloc (09022015). Collection method: clinical testing. Allele origin: germline.
Comment: This sequence change replaces glycine, which is neutral and non-polar, with aspartic acid, which is acidic and polar, at codon 302 of the COL9A1 protein (p.Gly302Asp). This variant is not present in population databases (gnomAD no frequency). This variant has not been reported in the literature in individuals affected with COL9A1-related conditions. Experimental studies and prediction algorithms are not available or were not evaluated, and the functional significance of this variant is currently unknown. In summary, the available evidence is currently insufficient to determine the role of this variant in disease. Therefore, it has been classified as a Variant of Uncertain Significance.

NM_001851.6(COL9A1):c.905G>A (p.Gly302Asp)

Gene: COL9A1 (collagen type IX alpha 1 chain; minus strand). Cytogenetic location: 6q13.
Variant type: single nucleotide variant.
Coding change: c.905G>A on transcript NM_001851.6 (MANE Select); coding-DNA position 905, G replaced by A.
Protein change: p.Gly302Asp; replaces glycine 302 with aspartic acid.
Molecular consequence: missense variant. On other transcripts: non-coding transcript variant (1).
Genome position (GRCh38, 1-based): chr6:70,281,011, C>T on the plus strand (G>A on the coding strand, the complement: COL9A1 is on the minus strand). VCF-style: chr6-70281011-C-T. GRCh37 (hg19) VCF-style: chr6-70990714-C-T.
Other names: c.176G>A, p.Gly59Asp (NM_001377289.1, NM_001377290.1, NM_078485.4); c.905G>A, p.Gly302Asp (NM_001377291.1); short protein forms G59D, G302D.
Identifiers: ClinVar variation 3688517 (VCV003688517.2).
Genomic context (GRCh38, chr6:70,281,011, plus strand): 5'-CAAAACACGTCTAAAGGAAGGAAGTGGAGCGCCATATGCTCCAATCAACTTACCGGGGGG[C>T]CCGGGGGGCCCTTAGGACCTCGGTCACCCTGGAGGGGTAGGAGAAAAAGAGAGAGCAGTC-3'
Protein context (NP_001842.3, residues 292-312): DGDRGPKGPP[Gly302Asp]PPGPAGEPGK